The following is an entry in ClinVar:

NM_001171907.3(EOLA1):c.254-8G>C

Gene: EOLA1 (endothelium and lymphocyte associated ASCH domain 1; plus strand). Cytogenetic location: Xq28.
Variant type: single nucleotide variant.
Coding change: c.254-8G>C on transcript NM_001171907.3 (MANE Select); 8 bases into the intron before coding-DNA position 254, G replaced by C.
Molecular consequence: intron variant.
Genome position (GRCh38, 1-based): chrX:149,546,731, G>C. VCF-style: chrX-149546731-G-C. GRCh37 (hg19) VCF-style: chrX-148628277-G-C.
Other names: c.254-8G>C (NM_001324275.2, NM_001324274.2, NM_001324276.2 and 7 more transcripts).
Identifiers: ClinVar variation 2661619 (VCV002661619.24), dbSNP rs782325989, ClinGen allele CA10537866.
Genomic context (GRCh38, chrX:149,546,731, plus strand): 5'-TTGTCACATGGGCAGGCCTTGGGCTATGGAAGTGAAAGGCATTCATGTGTATCTCTCTTT[G>C]TGTACAGGACTCGTTGACATTGGGGAAACTTTGCAATGCCCCGAAGACTTAACTCCCGAT-3'

ClinVar aggregate classification (germline): Likely benign (1 of 4 stars; one submission).

Allele frequency attached by ClinVar (database versions not stated): gnomAD 0.00007; TOPMed 0.00008; ExAC 0.00015.

Submission:

CeGaT Center for Human Genetics Tuebingen
Classification: Likely benign. Last evaluated: 2023-04-01. Review status: criteria provided, single submitter. Criteria: CeGaT Center For Human Genetics Tuebingen Variant Classification Criteria Version 2. Collection method: clinical testing. Allele origin: germline. Affected: yes. Observed: 1 variant allele.
Comment: EOLA1: BP4, BS2